The following is an entry in ClinVar:

NM_001128840.3(CACNA1D):c.752T>C (p.Val251Ala)

Gene: CACNA1D (calcium voltage-gated channel subunit alpha1 D; plus strand). Cytogenetic location: 3p21.1.
Variant type: single nucleotide variant.
Coding change: c.752T>C on transcript NM_001128840.3 (MANE Select); coding-DNA position 752, T replaced by C.
Protein change: p.Val251Ala; replaces valine 251 with alanine.
Molecular consequence: missense variant.
Genome position (GRCh38, 1-based): chr3:53,660,261, T>C. VCF-style: chr3-53660261-T-C. GRCh37 (hg19) VCF-style: chr3-53694288-T-C.
Other names: c.752T>C, p.Val251Ala (NM_000720.4, NM_001128839.3); short protein forms V251A.
Identifiers: ClinVar variation 4075506 (VCV004075506.1).

ClinVar aggregate classification (germline): Uncertain significance (1 of 4 stars; one submission).

Submission:

GeneDx
Classification: Uncertain significance. Last evaluated: 2025-02-18. Review status: criteria provided, single submitter. Criteria: GeneDx Variant Classification Process June 2021. Collection method: clinical testing. Allele origin: germline. Affected: yes.
Comment: Not observed at significant frequency in large population cohorts (gnomAD); In silico analysis supports that this missense variant has a deleterious effect on protein structure/function; Has not been previously published as pathogenic or benign to our knowledge